The following is an entry in ClinVar:

ClinVar aggregate classification (germline): Pathogenic (1 of 4 stars; one submission).

Conditions:
Familial hyperparathyroidism or Hypocalciuric hypercalcaemia.

Submission:

Cambridge Genomics Laboratory, East Genomic Laboratory Hub, NHS Genomic Medicine Service
Classification: Pathogenic for Familial hyperparathyroidism or Hypocalciuric hypercalcaemia. Last evaluated: 2026-09-01. Review status: criteria provided, single submitter. Criteria: ACGS Best Practice Guidelines for Variant Classification in Rare Disease 2020. Collection method: clinical testing. Allele origin: germline. Affected: yes.
Comment: PS4_Moderate,PM2,PM5_Supporting,PP1_Strong,PP2,PP3

NM_000388.4(CASR):c.1465T>A (p.Tyr489Asn)

Gene: CASR (calcium sensing receptor; plus strand). Cytogenetic location: 3q21.1.
Variant type: single nucleotide variant.
Coding change: c.1465T>A on transcript NM_000388.4 (MANE Select); coding-DNA position 1465, T replaced by A.
Protein change: p.Tyr489Asn; replaces tyrosine 489 with asparagine.
Molecular consequence: missense variant.
Genome position (GRCh38, 1-based): chr3:122,275,899, T>A. VCF-style: chr3-122275899-T-A. GRCh37 (hg19) VCF-style: chr3-121994746-T-A.
Other names: c.1465T>A, p.Tyr489Asn (NM_001178065.2); short protein forms Y489N.
Identifiers: ClinVar variation 4890886 (VCV004890886.1).